The following is an entry in ClinVar:

NM_001127178.3(PIGG):c.2357_2360del (p.Asp786fs)

Gene: PIGG (phosphatidylinositol glycan anchor biosynthesis class G; plus strand). Cytogenetic location: 4p16.3.
Variant type: Deletion.
Coding change: c.2357_2360del on transcript NM_001127178.3 (MANE Select); coding-DNA positions 2357 to 2360, 4 bases deleted (ACTT; older notation c.2357_2360delACTT).
Protein change: p.Asp786fs; shifts the reading frame from aspartic acid 786.
Molecular consequence: frameshift variant. On other transcripts: non-coding transcript variant (6).
Genome position (GRCh38, 1-based): chr4:530,531-530,534, ACTT deleted. VCF-style (leftmost placement, unchanged base first): chr4-530530-GACTT-G. GRCh37 (hg19) VCF-style: chr4-524319-GACTT-G.
Other names: c.2090_2093del, p.Asp697fs (NM_001289051.2, NM_001345986.2); c.1958_1961del, p.Asp653fs (NM_001289052.2); c.2066_2069del, p.Asp689fs (NM_001345987.2); c.1328_1331del, p.Asp443fs (NM_001345988.2); c.824_827del, p.Asp275fs (NM_001345990.2, NM_001345991.2); c.1259_1262del, p.Asp420fs (NM_001345994.2); c.2333_2336del, p.Asp778fs (NM_017733.5); short protein forms D443fs, D275fs, D653fs, D786fs, D689fs, D697fs, D778fs, D420fs.
Identifiers: ClinVar variation 523970 (VCV000523970.2), dbSNP rs1553897582, ClinGen allele CA658796413.

ClinVar aggregate classification (germline): Likely pathogenic (1 of 4 stars; one submission).

Submission:

GeneDx
Classification: Likely pathogenic. Last evaluated: 2018-03-09. Review status: criteria provided, single submitter. Criteria: GeneDx Variant Classification (06012015). Collection method: clinical testing. Allele origin: germline. Affected: yes.
Comment: The c.2357_2360delACTT variant in the PIGG gene has not been reported previously as a pathogenic variant nor as a benign variant, to our knowledge. The c.2357_2360delACTT variant causes a frameshift starting with codon Aspartic acid 786, changes this amino acid to an Alanine residue, and creates a premature Stop codon at position 6 of the new reading frame, denoted p.Asp786AlafsX6. This variant is predicted to cause loss of normal protein function either through protein truncation or nonsense-mediated mRNA decay. The c.2357_2360delACTT variant is not observed in large population cohorts (Lek et al., 2016). We interpret c.2357_2360delACTT as a likely pathogenic variant.